The following is an entry in ClinVar:

ClinVar aggregate classification (germline): Likely pathogenic (1 of 4 stars; one submission).

Submission:

Labcorp Genetics (formerly Invitae), Labcorp
Classification: Likely pathogenic. Last evaluated: 2023-08-19. Review status: criteria provided, single submitter. Criteria: Invitae Variant Classification Sherloc (09022015). Collection method: clinical testing. Allele origin: germline.
Comment: This variant results in a copy number gain of the genomic region encompassing exon(s) 8-9 of the PRKN gene. While the exact position of this variant cannot be determined from the data, sub-genic copy number gains are generally in tandem (PMID: 25640679). This variant is predicted to be out-of-frame, and may result in an absent or disrupted protein product. Loss-of-function variants in PRKN are known to be pathogenic (PMID: 10072423, 20301651, 22956510). This variant has not been reported in the literature in individuals affected with PRKN-related conditions. In summary, the currently available evidence indicates that the variant is pathogenic, but additional data are needed to prove that conclusively. Therefore, this variant has been classified as Likely Pathogenic.

Literature cited by the submitters: PubMed 25640679; PubMed 10072423; PubMed 20301651; PubMed 22956510.

NC_000006.11:g.(?_161969866)_(161990468_?)dup

Gene: PRKN (parkin RBR E3 ubiquitin protein ligase; minus strand). Cytogenetic location: 6q26.
Variant type: Duplication.
Identifiers: ClinVar variation 2425159 (VCV002425159.4).